The following is an entry in ClinVar:

NM_001563.4(IMPG1):c.1676T>G (p.Ile559Ser)

Gene: IMPG1 (interphotoreceptor matrix proteoglycan 1; minus strand). Cytogenetic location: 6q14.1.
Variant type: single nucleotide variant.
Coding change: c.1676T>G on transcript NM_001563.4 (MANE Select); coding-DNA position 1676, T replaced by G.
Protein change: p.Ile559Ser; replaces isoleucine 559 with serine.
Molecular consequence: missense variant.
Genome position (GRCh38, 1-based): chr6:75,950,710, A>C on the plus strand (T>G on the coding strand, the complement: IMPG1 is on the minus strand). VCF-style: chr6-75950710-A-C. GRCh37 (hg19) VCF-style: chr6-76660427-A-C.
Other names: c.1442T>G, p.Ile481Ser (NM_001282368.2); c.1676T>G (NM_001563.2); short protein forms I481S, I559S.
Identifiers: ClinVar variation 4761453 (VCV004761453.2).
Genomic context (GRCh38, chr6:75,950,710, plus strand): 5'-AGACTGAAGAACACTACCAGCTCTCGGCCCTTGGGGGCAATGGTCATAGAACTAGTGGTG[A>C]TATACTGTAAAGCTGAGACAGGAGTGGTATCCTCCAAGAAATGATCTGGGACAGAAACAT-3'
Protein context (NP_001554.2, residues 549-569): DTTPVSALQY[Ile559Ser]TTSSMTIAPK

ClinVar aggregate classification (germline): Uncertain significance. Review status: criteria provided, multiple submitters, no conflicts (2 of 4 stars). 2 submissions from 2 submitters: Uncertain significance (2). Last evaluated 2026-08-17.

gnomAD v4.1: 6 of 1,613,870 alleles (0.00037%); highest among the groups gnomAD compares: Admixed American, 0.0017%; no homozygotes.

Submissions (2):

Ambry Genetics
Classification: Uncertain significance. Last evaluated: 2026-08-17. Review status: criteria provided, single submitter. Criteria: Ambry Variant Classification Scheme 2023. Collection method: clinical testing. Allele origin: germline.

Labcorp Genetics (formerly Invitae), Labcorp
Classification: Uncertain significance. Last evaluated: 2025-06-01. Review status: criteria provided, single submitter. Criteria: Invitae Variant Classification Sherloc (09022015). Collection method: clinical testing. Allele origin: germline.
Comment: This sequence change replaces isoleucine, which is neutral and non-polar, with serine, which is neutral and polar, at codon 559 of the IMPG1 protein (p.Ile559Ser). This variant is not present in population databases (gnomAD no frequency). This variant has not been reported in the literature in individuals affected with IMPG1-related conditions. An algorithm developed to predict the effect of missense changes on protein structure and function (PolyPhen-2) suggests that this variant is likely to be disruptive. In summary, the available evidence is currently insufficient to determine the role of this variant in disease. Therefore, it has been classified as a Variant of Uncertain Significance.